The following is an entry in ClinVar:

NM_005654.6(NR2F1):c.142_150del (p.Ala48_His50del)

Genes: NR2F1 (nuclear receptor subfamily 2 group F member 1; plus strand), NR2F1-AS1 (NR2F1 regulatory antisense RNA 1; minus strand). Cytogenetic location: 5q15.
Variant type: Deletion.
Coding change: c.142_150del on transcript NM_005654.6 (MANE Select); coding-DNA positions 142 to 150, 9 bases deleted (GCGCCGCAC; older notation c.142_150delGCGCCGCAC).
Protein change: p.Ala48_His50del.
Molecular consequence: inframe deletion.
Genome position (GRCh38, 1-based): chr5:93,585,165-93,585,173, GCGCCGCAC deleted; deleting any 9 consecutive bases within chr5:93,585,164-93,585,173 gives the same sequence; the c. name uses the placement nearest the transcript's 3' end. VCF-style (leftmost placement, unchanged base first): chr5-93585163-GCGCGCCGCA-G. GRCh37 (hg19) VCF-style: chr5-92920869-GCGCGCCGCA-G.
Identifiers: ClinVar variation 2804666 (VCV002804666.3), dbSNP rs1753207359, ClinGen allele CA1564182754.

ClinVar aggregate classification (germline): Uncertain significance (1 of 4 stars; one submission).

Submission:

Labcorp Genetics (formerly Invitae), Labcorp
Classification: Uncertain significance. Last evaluated: 2025-03-17. Review status: criteria provided, single submitter. Criteria: Invitae Variant Classification Sherloc (09022015). Collection method: clinical testing. Allele origin: germline.
Comment: This variant, c.142_150del, results in the deletion of 3 amino acid(s) of the NR2F1 protein (p.Ala48_His50del), but otherwise preserves the integrity of the reading frame. The frequency data for this variant in the population databases is considered unreliable, as metrics indicate insufficient coverage at this position in the gnomAD database. This variant has not been reported in the literature in individuals affected with NR2F1-related conditions. ClinVar contains an entry for this variant (Variation ID: 2804666). Experimental studies and prediction algorithms are not available or were not evaluated, and the functional significance of this variant is currently unknown. In summary, the available evidence is currently insufficient to determine the role of this variant in disease. Therefore, it has been classified as a Variant of Uncertain Significance.